The following is an entry in ClinVar:

NM_001363711.2(DUOX2):c.1525G>T (p.Val509Leu)

Gene: DUOX2 (dual oxidase 2; minus strand). Cytogenetic location: 15q21.1.
Variant type: single nucleotide variant.
Coding change: c.1525G>T on transcript NM_001363711.2 (MANE Select); coding-DNA position 1525, G replaced by T.
Protein change: p.Val509Leu; replaces valine 509 with leucine.
Molecular consequence: missense variant.
Genome position (GRCh38, 1-based): chr15:45,108,096, C>A on the plus strand (G>T on the coding strand, the complement: DUOX2 is on the minus strand). VCF-style: chr15-45108096-C-A. GRCh37 (hg19) VCF-style: chr15-45400294-C-A.
Other names: c.1525G>T, p.Val509Leu (NM_014080.5); short protein forms V509L.
Identifiers: ClinVar variation 1931869 (VCV001931869.5), dbSNP rs1300952424, ClinGen allele CA392276445.

ClinVar aggregate classification (germline): Uncertain significance (1 of 4 stars; one submission).

gnomAD v4.1: 2 of 1,614,126 alleles (0.00012%); highest among the groups gnomAD compares: Non-Finnish European, 0.00017%; no homozygotes.

Submission:

Labcorp Genetics (formerly Invitae), Labcorp
Classification: Uncertain significance. Last evaluated: 2025-11-03. Review status: criteria provided, single submitter. Criteria: Invitae Variant Classification Sherloc (09022015). Collection method: clinical testing. Allele origin: germline.
Comment: This sequence change replaces valine, which is neutral and non-polar, with leucine, which is neutral and non-polar, at codon 509 of the DUOX2 protein (p.Val509Leu). This variant is present in population databases (no rsID available, gnomAD 0.0009%). This variant has not been reported in the literature in individuals affected with DUOX2-related conditions. ClinVar contains an entry for this variant (Variation ID: 1931869). Invitae Evidence Modeling of protein sequence and biophysical properties (such as structural, functional, and spatial information, amino acid conservation, physicochemical variation, residue mobility, and thermodynamic stability) indicates that this missense variant is not expected to disrupt DUOX2 protein function with a negative predictive value of 80%. In summary, the available evidence is currently insufficient to determine the role of this variant in disease. Therefore, it has been classified as a Variant of Uncertain Significance.